The following is an entry in ClinVar:

ClinVar aggregate classification (germline): Pathogenic (1 of 4 stars; one submission).

Submission:

GeneDx
Classification: Pathogenic. Last evaluated: 2015-02-17. Review status: criteria provided, single submitter. Criteria: GeneDx Variant Classification (06012015). Collection method: clinical testing. Allele origin: germline. Affected: yes.
Comment: c.379dupA: p.Ser127LysfsX74 in exon 1 in the PURA Gene (NM_005859.4). The normal sequence with the base that is duplicated in braces is: GCCCC{A}GCCA. The c.379dupA mutation in the PURA gene has not been reported previously as a disease-causing mutation nor as a benign polymorphism, to our knowledge. The c.379dupA mutation causes a frameshift starting with codon Serine 127, changes this amino acid to a Lysine residue and creates a premature Stop codon at position 74 of the new reading frame, denoted p.Ser127LysfsX74. This mutation is predicted to cause loss of normal protein function either through protein truncation or nonsense-mediated mRNA decay. The c.379dupA mutation was not observed in approximately 6300 individuals of European and African American ancestry in the NHLBI Exome Sequencing Project, indicating it is not a common benign variant in these populations. We interpret c.379dupA as a disease-causing mutation. This variant has been observed de novo with confirmed parentage.

NM_005859.5(PURA):c.379dup (p.Ser127fs)

Genes: PURA (purine rich element binding protein A; plus strand), LOC129994826 (ATAC-STARR-seq lymphoblastoid active region 23260; plus strand). Cytogenetic location: 5q31.3.
Variant type: Duplication.
Coding change: c.379dup on transcript NM_005859.5 (MANE Select); coding-DNA position 379, one base duplicated (A; older notation c.379dupA).
Protein change: p.Ser127fs; shifts the reading frame from serine 127.
Molecular consequence: frameshift variant.
Genome position (GRCh38, 1-based): chr5:140,114,560, A duplicated. VCF-style (leftmost placement, unchanged base first): chr5-140114559-C-CA. GRCh37 (hg19) VCF-style: chr5-139494144-C-CA.
Other names: short protein forms S127fs.
Identifiers: ClinVar variation 192345 (VCV000192345.1), dbSNP rs793888538, ClinGen allele CA302665.